The following is an entry in ClinVar:

NM_000257.4(MYH7):c.964T>A (p.Ser322Thr)

Gene: MYH7 (myosin heavy chain 7; minus strand). Cytogenetic location: 14q11.2.
Variant type: single nucleotide variant.
Coding change: c.964T>A on transcript NM_000257.4 (MANE Select); coding-DNA position 964, T replaced by A.
Protein change: p.Ser322Thr; replaces serine 322 with threonine.
Molecular consequence: missense variant.
Genome position (GRCh38, 1-based): chr14:23,430,595, A>T on the plus strand (T>A on the coding strand, the complement: MYH7 is on the minus strand). VCF-style: chr14-23430595-A-T. GRCh37 (hg19) VCF-style: chr14-23899804-A-T.
Other names: p.S322T:TCC>ACC; NM_000257.4(MYH7):c.964T>A; p.Ser322Thr; c.964T>A (LRG_384t1); short protein forms S322T.
Identifiers: ClinVar variation 181330 (VCV000181330.11), dbSNP rs730880859, ClinGen allele CA017009.

ClinVar aggregate classification (germline): Uncertain significance. Review status: reviewed by expert panel (3 of 4 stars). 4 submissions from 4 submitters: Uncertain significance (1). 3 of the submissions do not count toward it. Last evaluated 2021-04-21.

Conditions:
Hypertrophic cardiomyopathy. Also called: HYPERTROPHIC MYOCARDIOPATHY. Identifiers: Orphanet 217569, MedGen C0007194, MeSH D002312, MONDO:0005045, HP:0001639.

Allele frequency attached by ClinVar (database versions not stated): gnomAD exomes below 0.00001.
gnomAD v4.1: 5 of 1,614,058 alleles (0.00031%); highest among the groups gnomAD compares: Non-Finnish European, 0.00042%; no homozygotes.

Submissions (4):

ClinGen Cardiomyopathy Variant Curation Expert Panel
Classification: Uncertain significance for Hypertrophic cardiomyopathy. Last evaluated: 2021-04-21. Review status: reviewed by expert panel. Criteria: ClinGen CMP ACMG Specifications v1. Collection method: curation. Allele origin: germline. Inheritance: Autosomal dominant inheritance.
Comment: The NM_000257.4(MYH7):c.964T>A (p.Ser322Thr) variant has been reported in at least 3 individuals with HCM (PS4_Supporting; Walsh 2017 PMID:27532257; GeneDx pers. comm.; Invitae pers. comm.). This variant was absent from large population studies (PM2; gnomAD v2.1.1). This variant lies in the head region of the protein (aa 181-937) and missense variants in this region are statistically more likely to be associated with HCM (PM1; Walsh 2017 PMID:27532257). Computational prediction tools and conservation analysis were mixed about the potential impact of this variant. In summary, due to insufficient evidence, this variant is classified as uncertain significance for hypertrophic cardiomyopathy in an autosomal dominant manner. MYH7-specific ACMG/AMP criteria applied (Kelly 2018 PMID:29300372): PS4_Supporting, PM2, PM1.

Blueprint Genetics
Classification: Uncertain significance. Last evaluated: 2022-07-08. Review status: criteria provided, single submitter. Criteria: ACMG Guidelines, 2015. Collection method: clinical testing. Allele origin: germline. Not counted in ClinVar's aggregate classification.

Labcorp Genetics (formerly Invitae), Labcorp
Classification: Uncertain significance for Hypertrophic cardiomyopathy. Last evaluated: 2017-10-05. Review status: criteria provided, single submitter. Criteria: Invitae Variant Classification Sherloc (09022015). Collection method: clinical testing. Allele origin: germline. Not counted in ClinVar's aggregate classification.
Comment: In summary, the available evidence is currently insufficient to determine the role of this variant in disease. Therefore, it has been classified as a Variant of Uncertain Significance. This sequence change replaces serine with threonine at codon 322 of the MYH7 protein (p.Ser322Thr). The serine residue is highly conserved and there is a small physicochemical difference between serine and threonine. This variant is not present in population databases (ExAC no frequency). This variant has been reported in an individual affected with hypertrophic cardiomyopathy (PMID: 27532257). ClinVar contains an entry for this variant (Variation ID: 181330). A computational algorithm designed to assess the pathogenicity of variants in MYH7 with regard to hypertrophic cardiomyopathy predicted this sequence change to be tolerated. The algorithm has a sensitivity of 94% and a specificity of 89% (PMID: 21310275). This variant is found within a region of MYH7 between codons 181 and 937 that contains the majority of the myosin head domain. Missense variants in this region have been shown to be significantly overrepresented in individuals with hypertrophic cardiomyopathy (PMID: 27532257).

GeneDx
Classification: Likely pathogenic. Last evaluated: 2012-09-27. Review status: criteria provided, single submitter. Criteria: GeneDx Variant Classification (06012015). Collection method: clinical testing. Allele origin: germline. Affected: yes. Not counted in ClinVar's aggregate classification.
Comment: p.Ser322Thr (TCC>ACC):c.964 T>A in exon 11 of the MYH7 gene (NM_000257.2). The Ser322Thr variant in the MYH7 gene has not been reported as a disease-causing mutation or as a benign polymorphism to our knowledge. Ser322Thr results in a conservative amino acid substitution of one neutral, polar residue for another at a position that is conserved through mammals. A mutation affecting the same residue (Ser322Phe), as well as mutations in nearby residues (Val320Met, Ala326Pro) have been reported in association with HCM, further supporting the functional importance of this region of the protein. Furthermore, the NHLBI ESP Exome Variant Server reports Ser322Thr was not observed in approximately 6,500 samples from individuals of European and African American backgrounds, indicating it is not a common benign variant in these populations. In summary, while Ser322Thr is a good candidate for a disease-causing mutation, with the clinical and molecular information available at this time we cannot unequivocally determine the clinical significance of this variant. The variant is found in HCM panel(s).

Literature cited by the submitters: PubMed 27532257 (cited by Labcorp Genetics (formerly Invitae), Labcorp); PubMed 21310275 (cited by Labcorp Genetics (formerly Invitae), Labcorp).